The following is an entry in ClinVar:

ClinVar aggregate classification (germline): Uncertain significance (1 of 4 stars; one submission).

Submission:

Labcorp Genetics (formerly Invitae), Labcorp
Classification: Uncertain significance. Last evaluated: 2025-05-12. Review status: criteria provided, single submitter. Criteria: Invitae Variant Classification Sherloc (09022015). Collection method: clinical testing. Allele origin: germline.
Comment: This sequence change replaces phenylalanine, which is neutral and non-polar, with leucine, which is neutral and non-polar, at codon 37 of the CIT protein (p.Phe37Leu). This variant is present in population databases (rs774777166, gnomAD 0.002%). This variant has not been reported in the literature in individuals affected with CIT-related conditions. An algorithm developed to predict the effect of missense changes on protein structure and function outputs the following: PolyPhen-2: "Benign". The leucine amino acid residue is found in multiple mammalian species, which suggests that this missense change does not adversely affect protein function. In summary, the available evidence is currently insufficient to determine the role of this variant in disease. Therefore, it has been classified as a Variant of Uncertain Significance.

NM_001206999.2(CIT):c.109T>C (p.Phe37Leu)

Genes: CIT (citron rho-interacting serine/threonine kinase; minus strand), LOC126861657 (MED14-independent group 3 enhancer GRCh37_chr12:120306702-120307901; plus strand). Cytogenetic location: 12q24.23.
Variant type: single nucleotide variant.
Coding change: c.109T>C on transcript NM_001206999.2 (MANE Select); coding-DNA position 109, T replaced by C.
Protein change: p.Phe37Leu; replaces phenylalanine 37 with leucine.
Molecular consequence: missense variant.
Genome position (GRCh38, 1-based): chr12:119,869,189, A>G on the plus strand (T>C on the coding strand, the complement: CIT is on the minus strand). VCF-style: chr12-119869189-A-G. GRCh37 (hg19) VCF-style: chr12-120306993-A-G.
Other names: c.109T>C, p.Phe37Leu (NM_007174.3); short protein forms F37L.
Identifiers: ClinVar variation 4780210 (VCV004780210.1).
Genomic context (GRCh38, chr12:119,869,189, plus strand): 5'-CAAAGAGGGCATCTAATATCCCTTCTCGGGAAAGAGGAGACATCTGCTGTTGAGTCATAA[A>G]GGGTGGTTTCCCCTAAAAACAGCAAACAGCAGATGGAGACACTGTCAATAATGAAAAGCT-3'
Protein context (NP_001193928.1, residues 27-47): LNLFFQGKPP[Phe37Leu]MTQQQMSPLS